The following is an entry in ClinVar:

NM_005121.3(MED13):c.3134C>A (p.Ala1045Asp)

Gene: MED13 (mediator complex subunit 13; minus strand). Cytogenetic location: 17q23.2.
Variant type: single nucleotide variant.
Coding change: c.3134C>A on transcript NM_005121.3 (MANE Select); coding-DNA position 3134, C replaced by A.
Protein change: p.Ala1045Asp; replaces alanine 1045 with aspartic acid.
Molecular consequence: missense variant.
Genome position (GRCh38, 1-based): chr17:61,982,869, G>T on the plus strand (C>A on the coding strand, the complement: MED13 is on the minus strand). VCF-style: chr17-61982869-G-T. GRCh37 (hg19) VCF-style: chr17-60060230-G-T.
Other names: c.3134C>A (NM_005121.2); short protein forms A1045D.
Identifiers: ClinVar variation 2648011 (VCV002648011.25), dbSNP rs201705934, ClinGen allele CA8692696.

ClinVar aggregate classification (germline): Likely benign. Review status: criteria provided, single submitter (1 of 4 stars). 2 submissions from 2 submitters: Likely benign (1). 1 of the submissions does not count toward it. Last evaluated 2023-07-01.

Conditions:
MED13-related disorder. Also called: MED13-related condition.

Allele frequency attached by ClinVar (database versions not stated): ExAC 0.00006; ESP Exome Variant Server 0.00008.
gnomAD v4.1: 123 of 1,614,202 alleles (0.0076%); highest among the groups gnomAD compares: Non-Finnish European, 0.009%; no homozygotes.

Submissions (2):

CeGaT Center for Human Genetics Tuebingen
Classification: Likely benign. Last evaluated: 2023-07-01. Review status: criteria provided, single submitter. Criteria: CeGaT Center For Human Genetics Tuebingen Variant Classification Criteria Version 2. Collection method: clinical testing. Allele origin: germline. Affected: yes. Observed: 1 variant allele.
Comment: MED13: PP3, BS2

PreventionGenetics, part of Exact Sciences
Classification: Likely benign for MED13-related condition. Last evaluated: 2022-04-29. Review status: no assertion criteria provided. Collection method: clinical testing. Allele origin: germline. Not counted in ClinVar's aggregate classification.
Comment: This variant is classified as likely benign based on ACMG/AMP sequence variant interpretation guidelines (Richards et al. 2015 PMID: 25741868, with internal and published modifications).